The following is an entry in ClinVar:

ClinVar aggregate classification (germline): Uncertain significance. Review status: criteria provided, multiple submitters, no conflicts (2 of 4 stars). 2 submissions from 2 submitters: Uncertain significance (2). Last evaluated 2021-09-01.

Conditions:
Inborn genetic diseases. Identifiers: MedGen C0950123, MeSH D030342.

Allele frequency attached by ClinVar (database versions not stated): gnomAD 0.00001 and 0.00002; ExAC 0.00002; gnomAD exomes 0.00002; TOPMed 0.00002; 1000 Genomes Project 30x 0.00031; 1000 Genomes Project 0.00040.
gnomAD v4.1: 10 of 1,606,500 alleles (0.00062%); highest among the groups gnomAD compares: East Asian, 0.022%; no homozygotes.

Submissions (2):

Ambry Genetics
Classification: Uncertain significance for Inborn genetic diseases. Last evaluated: 2021-09-01. Review status: criteria provided, single submitter. Criteria: Ambry Variant Classification Scheme 2023. Collection method: clinical testing. Allele origin: germline.

Labcorp Genetics (formerly Invitae), Labcorp
Classification: Uncertain significance. Last evaluated: 2021-09-01. Review status: criteria provided, single submitter. Criteria: Invitae Variant Classification Sherloc (09022015). Collection method: clinical testing. Allele origin: germline.
Comment: In summary, the available evidence is currently insufficient to determine the role of this variant in disease. Therefore, it has been classified as a Variant of Uncertain Significance. Algorithms developed to predict the effect of missense changes on protein structure and function are either unavailable or do not agree on the potential impact of this missense change (SIFT: "Deleterious"; PolyPhen-2: "Probably Damaging"; Align-GVGD: "Class C0"). This variant has not been reported in the literature in individuals affected with MPDZ-related conditions. This variant is present in population databases (rs185422539, ExAC 0.03%). This sequence change replaces glycine with valine at codon 1977 of the MPDZ protein (p.Gly1977Val). The glycine residue is highly conserved and there is a moderate physicochemical difference between glycine and valine.

NM_001378778.1(MPDZ):c.6017G>T (p.Gly2006Val)

Gene: MPDZ (multiple PDZ domain crumbs cell polarity complex component; minus strand). Cytogenetic location: 9p23.
Variant type: single nucleotide variant.
Coding change: c.6017G>T on transcript NM_001378778.1 (MANE Select); coding-DNA position 6017, G replaced by T.
Protein change: p.Gly2006Val; replaces glycine 2006 with valine.
Molecular consequence: missense variant.
Genome position (GRCh38, 1-based): chr9:13,108,985, C>A on the plus strand (G>T on the coding strand, the complement: MPDZ is on the minus strand). VCF-style: chr9-13108985-C-A. GRCh37 (hg19) VCF-style: chr9-13108984-C-A.
Other names: c.5918G>T, p.Gly1973Val (NM_001261406.2, NM_001375416.1, NM_001375417.1 and 1 more transcripts); c.5831G>T, p.Gly1944Val (NM_001261407.2, NM_001375419.1); c.6017G>T, p.Gly2006Val (NM_001330637.2); c.6116G>T, p.Gly2039Val (NM_001375413.1); c.5807G>T, p.Gly1936Val (NM_001375420.1, NM_001375421.1, NM_001375422.1 and 2 more transcripts); c.5720G>T, p.Gly1907Val (NM_001375425.1, NM_001375426.1); c.5609G>T, p.Gly1870Val (NM_001375427.1); c.5930G>T, p.Gly1977Val (NM_003829.5); and 1 more; short protein forms G1870V, G1973V, G1977V, G2006V, G1907V, G1944V, G2039V, G1936V.
Identifiers: ClinVar variation 1511677 (VCV001511677.6), dbSNP rs185422539, ClinGen allele CA4985995.